The following is an entry in ClinVar:

ClinVar aggregate classification (germline): Pathogenic (1 of 4 stars; one submission).

Conditions:
Axenfeld-Rieger syndrome type 3 (RIEG3). Also called: AXENFELD-RIEGER ANOMALY WITH CARDIAC DEFECTS AND/OR SENSORINEURAL HEARING LOSS. Identifiers: Orphanet 782, MedGen C2678503, MONDO:0011233, OMIM 602482.

Submission:

Labcorp Genetics (formerly Invitae), Labcorp
Classification: Pathogenic for Axenfeld-Rieger syndrome type 3. Last evaluated: 2020-08-25. Review status: criteria provided, single submitter. Criteria: Invitae Variant Classification Sherloc (09022015). Collection method: clinical testing. Allele origin: germline.
Comment: This sequence change results in a premature translational stop signal in the FOXC1 gene (p.Tyr18Thrfs*27). While this is not anticipated to result in nonsense mediated decay, it is expected to disrupt the last 536 amino acids of the FOXC1 protein. The frequency data for this variant in the population databases is considered unreliable, as metrics indicate insufficient coverage at this position in the ExAC database. This variant has not been reported in the literature in individuals with FOXC1-related conditions. This variant disrupts the C-terminus of the FOXC1 protein. Other variant(s) that disrupt this region (p.Ala381Glyfs*147) have been determined to be pathogenic (PMID: 20881294, 16936096, 11170889). This suggests that variants that disrupt this region of the protein are likely to be causative of disease. For these reasons, this variant has been classified as Pathogenic.

Literature cited by the submitters: PubMed 20881294; PubMed 16936096; PubMed 11170889.

NM_001453.3(FOXC1):c.51del (p.Tyr18fs)

Gene: FOXC1 (forkhead box C1; plus strand). Cytogenetic location: 6p25.3.
Variant type: Deletion.
Coding change: c.51del on transcript NM_001453.3 (MANE Select); coding-DNA position 51, one base deleted (C; older notation c.51delC).
Protein change: p.Tyr18fs; shifts the reading frame from tyrosine 18.
Molecular consequence: frameshift variant.
Genome position (GRCh38, 1-based): chr6:1,610,496, C deleted; the last of 3 consecutive C bases (chr6:1,610,494-1,610,496); deleting any one gives the same sequence. VCF-style (leftmost placement, unchanged base first): chr6-1610493-GC-G. GRCh37 (hg19) VCF-style: chr6-1610728-GC-G.
Other names: short protein forms Y18fs.
Identifiers: ClinVar variation 1071356 (VCV001071356.9), dbSNP rs2113110720, ClinGen allele CA2499218182.
Genomic context (GRCh38, chr6:1,610,493, plus strand): 5'-GCGAGCGGGGGCCATGCAGGCGCGCTACTCCGTGTCCAGCCCCAACTCCCTGGGAGTGGT[GC>G]CCTACCTCGGCGGCGAGCAGAGCTACTACCGCGCGGCGGCCGCGGCGGCCGGGGGCGGCT-3'